The following is an entry in ClinVar:

ClinVar aggregate classification (germline): Benign. Review status: criteria provided, multiple submitters, no conflicts (2 of 4 stars). 2 submissions from 2 submitters: Benign (2). Last evaluated 2018-06-14.

Allele frequency attached by ClinVar (database versions not stated): gnomAD exomes 0.04032; gnomAD 0.06926; TOPMed 0.07854; 1000 Genomes Project 30x 0.15475; 1000 Genomes Project 0.15835.
gnomAD v4.1: 33,852 of 727,374 alleles (4.7%); highest among the groups gnomAD compares: East Asian, 27%; 3,060 homozygotes.

Submissions (2):

GeneDx
Classification: Benign. Last evaluated: 2018-06-14. Review status: criteria provided, single submitter. Criteria: GeneDx Variant Classification (06012015). Collection method: clinical testing. Allele origin: germline. Affected: yes.
Comment: This variant is considered likely benign or benign based on one or more of the following criteria: it is a conservative change, it occurs at a poorly conserved position in the protein, it is predicted to be benign by multiple in silico algorithms, and/or has population frequency not consistent with disease.

Breakthrough Genomics
Classification: Benign. Review status: criteria provided, single submitter. Criteria: ACMG Guidelines, 2015. Collection method: not provided. Allele origin: germline. Inheritance: Autosomal dominant inheritance. Affected: yes.

NM_001035.3(RYR2):c.14808+92G>A

Gene: RYR2 (ryanodine receptor 2; plus strand). Cytogenetic location: 1q43.
Variant type: single nucleotide variant.
Coding change: c.14808+92G>A on transcript NM_001035.3 (MANE Select); 92 bases into the intron after coding-DNA position 14808, G replaced by A.
Molecular consequence: intron variant.
Genome position (GRCh38, 1-based): chr1:237,831,657, G>A. VCF-style: chr1-237831657-G-A. GRCh37 (hg19) VCF-style: chr1-237994957-G-A.
Identifiers: ClinVar variation 674211 (VCV000674211.2), dbSNP rs4659818, ClinGen allele CA39834789.